The following is an entry in ClinVar:

NM_001165963.4(SCN1A):c.4002+2356del

Genes: SCN1A (sodium voltage-gated channel alpha subunit 1; minus strand), LOC102724058 (uncharacterized LOC102724058; plus strand). Cytogenetic location: 2q24.3.
Variant type: Deletion.
Coding change: c.4002+2356del on transcript NM_001165963.4 (MANE Select); 2356 bases into the intron after coding-DNA position 4002, one base deleted (A; older notation c.4002+2356delA).
Molecular consequence: intron variant.
Genome position (GRCh38, 1-based): chr2:166,007,363, T deleted on the plus strand (A on the coding strand, the reverse complement: SCN1A is on the minus strand); the first of 5 consecutive T bases (chr2:166,007,363-166,007,367); deleting any one gives the same sequence. VCF-style (leftmost placement, unchanged base first): chr2-166007362-CT-C. GRCh37 (hg19) VCF-style: chr2-166863872-CT-C.
Other names: c.3966+2356del (NM_001353955.2, NM_001353954.2); c.3918+2356del (NM_001353957.2, NM_001165964.3, NM_001353958.2); c.3969+2356del (NM_001353951.2, NM_001353952.2, NM_006920.6 and 2 more transcripts); c.4002+2356del (NM_001353948.2, NM_001202435.3); c.3915+2356del (NM_001353960.2); c.1560+2356del (NM_001353961.2).
Identifiers: ClinVar variation 2978259 (VCV002978259.3), dbSNP rs2468472166, ClinGen allele CA2740095832.

ClinVar aggregate classification (germline): Uncertain significance (1 of 4 stars; one submission).

Conditions:
Early-infantile DEE. Also called: Ohtahara syndrome; Early infantile epileptic encephalopathy with suppression bursts; Early infantile epileptic encephalopathy. Identifiers: Orphanet 1934, MedGen C0393706, MONDO:0800491.

Submission:

Labcorp Genetics (formerly Invitae), Labcorp
Classification: Uncertain significance for Early-infantile DEE. Last evaluated: 2023-11-02. Review status: criteria provided, single submitter. Criteria: Invitae Variant Classification Sherloc (09022015). Collection method: clinical testing. Allele origin: germline.
Comment: This sequence change falls in intron 20 of the SCN1A gene. It does not directly change the encoded amino acid sequence of the SCN1A protein. However, this sequence change falls within a region encompassing a cryptic exon in the SCN1A gene, in which variants have been shown to alter splicing (PMID: 30526861, 34107977). This variant is not present in population databases (gnomAD no frequency). This variant has not been reported in the literature in individuals affected with SCN1A-related conditions. Algorithms developed to predict the effect of sequence changes on RNA splicing suggest that this variant is not likely to affect RNA splicing. In summary, the available evidence is currently insufficient to determine the role of this variant in disease. Therefore, it has been classified as a Variant of Uncertain Significance.

Literature cited by the submitters: PubMed 30526861; PubMed 34107977.